The following is an entry in ClinVar:

NM_015512.5(DNAH1):c.2512A>G (p.Lys838Glu)

Gene: DNAH1 (dynein axonemal heavy chain 1; plus strand). Cytogenetic location: 3p21.1.
Variant type: single nucleotide variant.
Coding change: c.2512A>G on transcript NM_015512.5 (MANE Select); coding-DNA position 2512, A replaced by G.
Protein change: p.Lys838Glu; replaces lysine 838 with glutamic acid.
Molecular consequence: missense variant.
Genome position (GRCh38, 1-based): chr3:52,349,406, A>G. VCF-style: chr3-52349406-A-G. GRCh37 (hg19) VCF-style: chr3-52383422-A-G.
Other names: short protein forms K838E.
Identifiers: ClinVar variation 645828 (VCV000645828.6), dbSNP rs1578118270, ClinGen allele CA353103042.

ClinVar aggregate classification (germline): Uncertain significance (1 of 4 stars; one submission).

Conditions:
Spermatogenic failure 18. Identifiers: MedGen C4539783, MONDO:0054615, OMIM 617576.
Ciliary dyskinesia, primary, 37 (CILD37). Also called: CILIARY DYSKINESIA, PRIMARY, 37, WITH OR WITHOUT SITUS INVERSUS. Identifiers: MedGen C4539798, MONDO:0033204, OMIM 617577.

Allele frequency attached by ClinVar (database versions not stated): gnomAD exomes below 0.00001.
gnomAD v4.1: 1 of 1,613,776 alleles (0.000062%); highest among the groups gnomAD compares: Non-Finnish European, 0.000085%; no homozygotes.

Submission:

Labcorp Genetics (formerly Invitae), Labcorp
Classification: Uncertain significance for Ciliary dyskinesia, primary, 37; Spermatogenic failure 18. Last evaluated: 2018-11-22. Review status: criteria provided, single submitter. Criteria: Invitae Variant Classification Sherloc (09022015). Collection method: clinical testing. Allele origin: germline.
Comment: This sequence change replaces lysine with glutamic acid at codon 838 of the DNAH1 protein (p.Lys838Glu). The lysine residue is moderately conserved and there is a small physicochemical difference between lysine and glutamic acid. This variant is not present in population databases (ExAC no frequency). This variant has not been reported in the literature in individuals with DNAH1-related disease. Algorithms developed to predict the effect of missense changes on protein structure and function output the following: SIFT: "Tolerated"; PolyPhen-2: "Benign"; Align-GVGD: "Class C0". The glutamic acid amino acid residue is found in multiple mammalian species, suggesting that this missense change does not adversely affect protein function. These predictions have not been confirmed by published functional studies and their clinical significance is uncertain. In summary, the available evidence is currently insufficient to determine the role of this variant in disease. Therefore, it has been classified as a Variant of Uncertain Significance.